The following is an entry in ClinVar:

ClinVar aggregate classification (germline): Uncertain significance (1 of 4 stars; one submission).

Allele frequency attached by ClinVar (database versions not stated): TOPMed below 0.00001; gnomAD 0.00001; gnomAD exomes 0.00001.
gnomAD v4.1: 2 of 1,581,038 alleles (0.00013%); highest among the groups gnomAD compares: African/African-American, 0.0027%; no homozygotes.

Submission:

Labcorp Genetics (formerly Invitae), Labcorp
Classification: Uncertain significance. Last evaluated: 2022-11-01. Review status: criteria provided, single submitter. Criteria: Invitae Variant Classification Sherloc (09022015). Collection method: clinical testing. Allele origin: germline.
Comment: This sequence change replaces aspartic acid, which is acidic and polar, with asparagine, which is neutral and polar, at codon 1490 of the MYO18B protein (p.Asp1490Asn). The frequency data for this variant in the population databases is considered unreliable, as metrics indicate poor data quality at this position in the gnomAD database. This variant has not been reported in the literature in individuals affected with MYO18B-related conditions. ClinVar contains an entry for this variant (Variation ID: 1389033). Algorithms developed to predict the effect of missense changes on protein structure and function are either unavailable or do not agree on the potential impact of this missense change (SIFT: "Not Available"; PolyPhen-2: "Benign"; Align-GVGD: "Not Available"). In summary, the available evidence is currently insufficient to determine the role of this variant in disease. Therefore, it has been classified as a Variant of Uncertain Significance.

NM_032608.7(MYO18B):c.4468G>A (p.Asp1490Asn)

Genes: MYO18B (myosin XVIIIB; plus strand), MYO18B-AS1 (MYO18B antisense RNA 1; minus strand). Cytogenetic location: 22q12.1.
Variant type: single nucleotide variant.
Coding change: c.4468G>A on transcript NM_032608.7 (MANE Select); coding-DNA position 4468, G replaced by A.
Protein change: p.Asp1490Asn; replaces aspartic acid 1490 with asparagine.
Molecular consequence: missense variant.
Genome position (GRCh38, 1-based): chr22:25,891,337, G>A. VCF-style: chr22-25891337-G-A. GRCh37 (hg19) VCF-style: chr22-26287304-G-A.
Other names: c.4471G>A, p.Asp1491Asn (NM_001318245.2); short protein forms D1490N, D1491N.
Identifiers: ClinVar variation 1389033 (VCV001389033.6), dbSNP rs1398689543, ClinGen allele CA411009609.